The following is an entry in ClinVar:

NM_001008537.3(NEXMIF):c.2937G>T (p.Gln979His)

Gene: NEXMIF (neurite extension and migration factor; minus strand). Cytogenetic location: Xq13.3.
Variant type: single nucleotide variant.
Coding change: c.2937G>T on transcript NM_001008537.3 (MANE Select); coding-DNA position 2937, G replaced by T.
Protein change: p.Gln979His; replaces glutamine 979 with histidine.
Molecular consequence: missense variant.
Genome position (GRCh38, 1-based): chrX:74,741,620, C>A on the plus strand (G>T on the coding strand, the complement: NEXMIF is on the minus strand). VCF-style: chrX-74741620-C-A. GRCh37 (hg19) VCF-style: chrX-73961455-C-A.
Other names: c.2937G>T (NM_001008537.1); short protein forms Q979H.
Identifiers: ClinVar variation 1042136 (VCV001042136.9), dbSNP rs1205089489, ClinGen allele CA413667089.

ClinVar aggregate classification (germline): Uncertain significance. Review status: criteria provided, multiple submitters, no conflicts (2 of 4 stars). 2 submissions from 2 submitters: Uncertain significance (2). Last evaluated 2024-08-13.

Allele frequency attached by ClinVar (database versions not stated): gnomAD 0.00001; TOPMed 0.00002.

Submissions (2):

GeneDx
Classification: Uncertain significance. Last evaluated: 2024-08-13. Review status: criteria provided, single submitter. Criteria: GeneDx Variant Classification Process June 2021. Collection method: clinical testing. Allele origin: germline. Affected: yes.
Comment: Not observed at significant frequency in large population cohorts (gnomAD); In silico analysis supports that this missense variant has a deleterious effect on protein structure/function; Has not been previously published as pathogenic or benign to our knowledge

Labcorp Genetics (formerly Invitae), Labcorp
Classification: Uncertain significance. Last evaluated: 2023-03-27. Review status: criteria provided, single submitter. Criteria: Invitae Variant Classification Sherloc (09022015). Collection method: clinical testing. Allele origin: germline.
Comment: ClinVar contains an entry for this variant (Variation ID: 1042136). This variant has not been reported in the literature in individuals affected with NEXMIF-related conditions. This variant is not present in population databases (gnomAD no frequency). This sequence change replaces glutamine, which is neutral and polar, with histidine, which is basic and polar, at codon 979 of the NEXMIF protein (p.Gln979His). Algorithms developed to predict the effect of missense changes on protein structure and function output the following: SIFT: "Not Available"; PolyPhen-2: "Benign"; Align-GVGD: "Not Available". The histidine amino acid residue is found in multiple mammalian species, which suggests that this missense change does not adversely affect protein function. In summary, the available evidence is currently insufficient to determine the role of this variant in disease. Therefore, it has been classified as a Variant of Uncertain Significance.